The following is an entry in ClinVar:

ClinVar aggregate classification (germline): Uncertain significance (1 of 4 stars; one submission).

Submission:

Greenwood Genetic Center Diagnostic Laboratories, Greenwood Genetic Center
Classification: Uncertain significance. Last evaluated: 2023-06-01. Review status: criteria provided, single submitter. Criteria: ACMG Guidelines, 2015. Collection method: clinical testing. Allele origin: germline. Affected: yes.
Comment: PM2, PP2

NM_032217.5(ANKRD17):c.940G>A (p.Val314Ile)

Gene: ANKRD17 (ankyrin repeat domain 17; minus strand). Cytogenetic location: 4q13.3.
Variant type: single nucleotide variant.
Coding change: c.940G>A on transcript NM_032217.5 (MANE Select); coding-DNA position 940, G replaced by A.
Protein change: p.Val314Ile; replaces valine 314 with isoleucine.
Molecular consequence: missense variant.
Genome position (GRCh38, 1-based): chr4:73,155,691, C>T on the plus strand (G>A on the coding strand, the complement: ANKRD17 is on the minus strand). VCF-style: chr4-73155691-C-T. GRCh37 (hg19) VCF-style: chr4-74021408-C-T.
Other names: c.601G>A, p.Val201Ile (NM_001286771.3); c.940G>A, p.Val314Ile (NM_015574.2, NM_198889.3); short protein forms V201I, V314I.
Identifiers: ClinVar variation 2572250 (VCV002572250.1), dbSNP rs2531263451, ClinGen allele CA357228238.